The following is an entry in ClinVar:

NM_001032.5(RPS29):c.127T>C (p.Phe43Leu)

Gene: RPS29 (ribosomal protein S29; minus strand). Cytogenetic location: 14q21.3.
Variant type: single nucleotide variant.
Coding change: c.127T>C on transcript NM_001032.5 (MANE Select); coding-DNA position 127, T replaced by C.
Protein change: p.Phe43Leu; replaces phenylalanine 43 with leucine.
Molecular consequence: missense variant.
Genome position (GRCh38, 1-based): chr14:49,585,985, A>G on the plus strand (T>C on the coding strand, the complement: RPS29 is on the minus strand). VCF-style: chr14-49585985-A-G. GRCh37 (hg19) VCF-style: chr14-50052703-A-G.
Other names: c.127T>C, p.Phe43Leu (NM_001030001.4); c.118T>C, p.Phe40Leu (NM_001351375.2); short protein forms F40L, F43L.
Identifiers: ClinVar variation 5002391 (VCV005002391.1).

ClinVar aggregate classification (germline): Uncertain significance (1 of 4 stars; one submission).

Conditions:
RPS29-related disorder. Also called: RPS29-related condition.

Submission:

PreventionGenetics, part of Exact Sciences
Classification: Uncertain significance for RPS29-related condition. Last evaluated: 2024-11-22. Review status: criteria provided, single submitter. Criteria: ACMG Guidelines, 2015. Collection method: clinical testing. Allele origin: germline.
Comment: The RPS29 c.127T>C variant is predicted to result in the amino acid substitution p.Phe43Leu. To our knowledge, this variant has not been reported in the literature or in a large population database (gnomAD), indicating this variant is rare. At this time, the clinical significance of this variant is uncertain due to the absence of conclusive functional and genetic evidence.